The following is an entry in ClinVar:

NM_000503.6(EYA1):c.1743_1752dup (p.His585fs)

Gene: EYA1 (EYA transcriptional coactivator and phosphatase 1; minus strand). Cytogenetic location: 8q13.3.
Variant type: Duplication.
Coding change: c.1743_1752dup on transcript NM_000503.6 (MANE Select); coding-DNA positions 1743 to 1752, 10 bases duplicated (GGCCCTGCAC; older notation c.1743_1752dupGGCCCTGCAC).
Protein change: p.His585fs; shifts the reading frame from histidine 585.
Molecular consequence: frameshift variant.
Genome position (GRCh38, 1-based): chr8:71,199,367-71,199,376, GTGCAGGGCC duplicated on the plus strand (GGCCCTGCAC on the coding strand, the reverse complement: EYA1 is on the minus strand). VCF-style (leftmost placement, unchanged base first): chr8-71199366-G-GGTGCAGGGCC. GRCh37 (hg19) VCF-style: chr8-72111601-G-GGTGCAGGGCC.
Other names: c.1725_1734dup, p.His579fs (NM_172059.5, NM_001288574.2); c.1644_1653dup, p.His552fs (NM_172060.4, NM_001411797.1); c.1377_1386dup, p.His463fs (NM_001288575.2); c.1830_1839dup, p.His614fs (NM_001370333.1); c.1743_1752dup, p.His585fs (NM_001370334.1, NM_001370335.1, NM_172058.4); c.1722_1731dup, p.His578fs (NM_001370336.1); short protein forms H552fs, H585fs, H579fs, H463fs, H578fs, H614fs.
Identifiers: ClinVar variation 2697788 (VCV002697788.3), dbSNP rs2537017451, ClinGen allele CA2697549964.

ClinVar aggregate classification (germline): Pathogenic (1 of 4 stars; one submission).

Conditions:
Melnick-Fraser syndrome (BOR). Also called: Branchiootorenal syndrome; Branchiootorenal Syndrome (BORS); Branchio-oto-renal syndrome. Identifiers: Orphanet 107, MedGen C0265234, MONDO:0007029.

Submission:

Labcorp Genetics (formerly Invitae), Labcorp
Classification: Pathogenic for Melnick-Fraser syndrome. Last evaluated: 2023-11-28. Review status: criteria provided, single submitter. Criteria: Invitae Variant Classification Sherloc (09022015). Collection method: clinical testing. Allele origin: germline.
Comment: This sequence change results in a frameshift in the EYA1 gene (p.His585Glyfs*50). While this is not anticipated to result in nonsense mediated decay, it is expected to disrupt the last 8 amino acid(s) of the EYA1 protein and extend the protein by 41 additional amino acid residues. This variant is not present in population databases (gnomAD no frequency). This variant has not been reported in the literature in individuals affected with EYA1-related conditions. This variant results in an extension of the EYA1 protein. Other variant(s) that result in a similarly extended protein product (p.Glu590Glyfs*42) have been determined to be pathogenic (PMID: 17364338, 17637804, 35046468). This suggests that these extensions are likely to be disease-causing. For these reasons, this variant has been classified as Pathogenic.

Literature cited by the submitters: PubMed 17364338; PubMed 17637804; PubMed 35046468.